The following is an entry in ClinVar:

ClinVar aggregate classification (germline): Uncertain significance (1 of 4 stars; one submission).

Conditions:
Cystic fibrosis (CF). Also called: MUCOVISCIDOSIS. Identifiers: Orphanet 586, MedGen C0010674, MONDO:0009061, OMIM 219700. Disease mechanism: loss of function.

Submission:

Ambry Genetics
Classification: Uncertain significance for Cystic fibrosis. Last evaluated: 2026-07-13. Review status: criteria provided, single submitter. Criteria: Ambry Variant Classification Scheme 2023. Collection method: clinical testing. Allele origin: germline.
Comment: The p.V580L variant (also known as c.1738G>C), located in coding exon 13 of the CFTR gene, results from a G to C substitution at nucleotide position 1738. The valine at codon 580 is replaced by leucine, an amino acid with highly similar properties. This amino acid position is conserved. In addition, the in silico prediction for this alteration is inconclusive. Based on the available evidence, the clinical significance of this variant remains unclear.

NM_000492.4(CFTR):c.1738G>C (p.Val580Leu)

Gene: CFTR (CF transmembrane conductance regulator; plus strand). Cytogenetic location: 7q31.2.
Variant type: single nucleotide variant.
Coding change: c.1738G>C on transcript NM_000492.4 (MANE Select); coding-DNA position 1738, G replaced by C.
Protein change: p.Val580Leu; replaces valine 580 with leucine.
Molecular consequence: missense variant.
Genome position (GRCh38, 1-based): chr7:117,590,411, G>C. VCF-style: chr7-117590411-G-C. GRCh37 (hg19) VCF-style: chr7-117230465-G-C.
Other names: short protein forms V580L.
Identifiers: ClinVar variation 5034438 (VCV005034438.1).